The following is an entry in ClinVar:

ClinVar aggregate classification (germline): Uncertain significance (1 of 4 stars; one submission).

Allele frequency attached by ClinVar (database versions not stated): gnomAD exomes below 0.00001; TOPMed below 0.00001.
gnomAD v4.1: 2 of 1,612,880 alleles (0.00012%); highest among the groups gnomAD compares: Admixed American, 0.0017%; no homozygotes.

Submission:

Labcorp Genetics (formerly Invitae), Labcorp
Classification: Uncertain significance. Last evaluated: 2022-03-18. Review status: criteria provided, single submitter. Criteria: Invitae Variant Classification Sherloc (09022015). Collection method: clinical testing. Allele origin: germline.
Comment: This sequence change replaces glycine, which is neutral and non-polar, with aspartic acid, which is acidic and polar, at codon 426 of the MAP3K20 protein (p.Gly426Asp). This variant is not present in population databases (gnomAD no frequency). This variant has not been reported in the literature in individuals affected with MAP3K20-related conditions. Experimental studies and prediction algorithms are not available or were not evaluated, and the functional significance of this variant is currently unknown. In summary, the available evidence is currently insufficient to determine the role of this variant in disease. Therefore, it has been classified as a Variant of Uncertain Significance.

NM_016653.3(MAP3K20):c.1277G>A (p.Gly426Asp)

Genes: MAP3K20 (mitogen-activated protein kinase kinase kinase 20; plus strand), MAP3K20-AS1 (MAP3K20 antisense RNA 1; minus strand). Cytogenetic location: 2q31.1.
Variant type: single nucleotide variant.
Coding change: c.1277G>A on transcript NM_016653.3 (MANE Select); coding-DNA position 1277, G replaced by A.
Protein change: p.Gly426Asp; replaces glycine 426 with aspartic acid.
Molecular consequence: missense variant.
Genome position (GRCh38, 1-based): chr2:173,239,414, G>A. VCF-style: chr2-173239414-G-A. GRCh37 (hg19) VCF-style: chr2-174104142-G-A.
Other names: short protein forms G426D.
Identifiers: ClinVar variation 1908151 (VCV001908151.2), dbSNP rs1684730261, ClinGen allele CA349315951.